The following is an entry in ClinVar:

NM_015114.3(ANKLE2):c.110C>G (p.Pro37Arg)

Gene: ANKLE2 (ankyrin repeat and LEM domain containing 2; minus strand). Cytogenetic location: 12q24.33.
Variant type: single nucleotide variant.
Coding change: c.110C>G on transcript NM_015114.3 (MANE Select); coding-DNA position 110, C replaced by G.
Protein change: p.Pro37Arg; replaces proline 37 with arginine.
Molecular consequence: missense variant.
Genome position (GRCh38, 1-based): chr12:132,761,689, G>C on the plus strand (C>G on the coding strand, the complement: ANKLE2 is on the minus strand). VCF-style: chr12-132761689-G-C. GRCh37 (hg19) VCF-style: chr12-133338275-G-C.
Other names: c.110C>G (NM_015114.2); short protein forms P37R.
Identifiers: ClinVar variation 2350180 (VCV002350180.5), dbSNP rs922629529, ClinGen allele CA246319573.
Genomic context (GRCh38, chr12:132,761,689, plus strand): 5'-GCGGCGGCCGCGCTTGGCGGAGGAACTGGGGTCCCGCTGCGGCCCAGACCTCCCGGCCGC[G>C]GGCCCAGCCGCCGCACCAGCCACCGCACAGCGATCAGCAGCACCGAGGCGCCCAGCAGCT-3'
Protein context (NP_055929.1, residues 27-47): AVRWLVRRLG[Pro37Arg]RPGGLGRSGT

ClinVar aggregate classification (germline): Uncertain significance. Review status: criteria provided, multiple submitters, no conflicts (2 of 4 stars). 3 submissions from 3 submitters: Uncertain significance (2). 1 of the submissions does not count toward it. Last evaluated 2025-06-03.

Conditions:
Inborn genetic diseases. Identifiers: MedGen C0950123, MeSH D030342.
ANKLE2-related disorder. Also called: ANKLE2-related condition.

Allele frequency attached by ClinVar (database versions not stated): TOPMed 0.00056; gnomAD 0.00062; 1000 Genomes Project 30x 0.00156.
gnomAD v4.1: 147 of 1,346,042 alleles (0.011%); highest among the groups gnomAD compares: African/African-American, 0.21%; no homozygotes.

Submissions (3):

GeneDx
Classification: Uncertain significance. Last evaluated: 2025-06-03. Review status: criteria provided, single submitter. Criteria: GeneDx Variant Classification Process June 2021. Collection method: clinical testing. Allele origin: germline. Affected: yes.
Comment: In silico analysis suggests that this missense variant does not alter protein structure/function; Has not been previously published as pathogenic or benign to our knowledge

Ambry Genetics
Classification: Uncertain significance for Inborn genetic diseases. Last evaluated: 2021-08-09. Review status: criteria provided, single submitter. Criteria: Ambry Variant Classification Scheme 2023. Collection method: clinical testing. Allele origin: germline.

PreventionGenetics, part of Exact Sciences
Classification: Likely benign for ANKLE2-related condition. Last evaluated: 2022-08-02. Review status: no assertion criteria provided. Collection method: clinical testing. Allele origin: germline. Not counted in ClinVar's aggregate classification.
Comment: This variant is classified as likely benign based on ACMG/AMP sequence variant interpretation guidelines (Richards et al. 2015 PMID: 25741868, with internal and published modifications).